The following is an entry in ClinVar:

ClinVar aggregate classification (germline): Benign/Likely benign. Review status: criteria provided, multiple submitters, no conflicts (2 of 4 stars). 11 submissions from 11 submitters: Benign (3); Likely benign (5). 3 of the submissions do not count toward it. Last evaluated 2026-08-04.

Conditions:
SACS-related disorder. Also called: SACS-related condition.
Spastic paraplegia. Identifiers: MedGen C0037772, HP:0001258.
Hereditary spastic paraplegia. Also called: Familial spastic paraparesis. Identifiers: Orphanet 685, MedGen C0037773, MONDO:0019064. Disease mechanism: loss of function.
Charlevoix-Saguenay spastic ataxia (SACS). Also called: AUTOSOMAL RECESSIVE SPASTIC ATAXIA OF CHARLEVOIX-SAGUENAY; SPASTIC ATAXIA 6, AUTOSOMAL RECESSIVE; Spastic ataxia of Charlevoix-Saguenay. Identifiers: Orphanet 98, MedGen C1849140, MONDO:0010041, OMIM 270550.

Allele frequency attached by ClinVar (database versions not stated): 1000 Genomes Project 0.00060; 1000 Genomes Project 30x 0.00062; gnomAD 0.00266 and 0.00281; TOPMed 0.00273; ESP Exome Variant Server 0.00292; gnomAD exomes 0.00292 and 0.00397; ExAC 0.00334.
gnomAD v4.1: 6,163 of 1,613,892 alleles (0.38%); highest among the groups gnomAD compares: Non-Finnish European, 0.45%; 19 homozygotes.

Submissions (11):

PreventionGenetics, part of Exact Sciences
Classification: Likely benign for SACS-related condition. Last evaluated: 2026-08-04. Review status: criteria provided, single submitter. Criteria: ACMG Guidelines, 2015. Collection method: clinical testing. Allele origin: germline.
Comment: This variant is classified as likely benign based on ACMG/AMP sequence variant interpretation guidelines (Richards et al. 2015 PMID: 25741868, with internal and published modifications).

CeGaT Center for Human Genetics Tuebingen
Classification: Likely benign. Last evaluated: 2026-05-01. Review status: criteria provided, single submitter. Criteria: CeGaT Center For Human Genetics Tuebingen Variant Classification Criteria Version 2. Collection method: clinical testing. Allele origin: germline. Affected: yes. Observed: 31 variant alleles.
Comment: SACS: BP4, BP7, BS2

Labcorp Genetics (formerly Invitae), Labcorp
Classification: Benign for Spastic paraplegia. Last evaluated: 2026-01-30. Review status: criteria provided, single submitter. Criteria: Invitae Variant Classification Sherloc (09022015). Collection method: clinical testing. Allele origin: germline.

Mayo Clinic Laboratories, Mayo Clinic
Classification: Benign. Last evaluated: 2025-03-11. Review status: criteria provided, single submitter. Criteria: ACMG Guidelines, 2015. Collection method: clinical testing. Allele origin: germline. Observed: 24 variant alleles.
Comment: BS1, BS2, BP4, BP7

Blueprint Genetics
Classification: Likely benign. Last evaluated: 2024-11-27. Review status: criteria provided, single submitter. Criteria: ACMG Guidelines, 2015. Collection method: clinical testing. Allele origin: germline.

Genome Diagnostics Laboratory, The Hospital for Sick Children
Classification: Likely benign for Hereditary spastic paraplegia. Last evaluated: 2020-12-08. Review status: criteria provided, single submitter. Criteria: ACMG Guidelines, 2015. Collection method: clinical testing. Allele origin: germline. Affected: yes.

GeneDx
Classification: Likely benign. Last evaluated: 2020-11-03. Review status: criteria provided, single submitter. Criteria: GeneDx Variant Classification Process June 2021. Collection method: clinical testing. Allele origin: germline. Affected: yes.
Comment: This variant is associated with the following publications: (PMID: 19779133)

Athena Diagnostics
Classification: Benign. Last evaluated: 2017-12-18. Review status: criteria provided, single submitter. Criteria: Athena Diagnostics Criteria. Collection method: clinical testing. Allele origin: germline.

Natera, Inc.
Classification: Benign for Charlevoix-Saguenay type spastic ataxia. Last evaluated: 2020-09-16. Review status: no assertion criteria provided. Collection method: clinical testing. Allele origin: germline. Not counted in ClinVar's aggregate classification.

Clinical Genetics DNA and cytogenetics Diagnostics Lab, Erasmus MC, Erasmus Medical Center
Classification: Likely benign. Review status: no assertion criteria provided. Collection method: clinical testing. Allele origin: germline. Affected: yes. Study: VKGL Data-share Consensus. Not counted in ClinVar's aggregate classification.

Genome Diagnostics Laboratory, University Medical Center Utrecht
Classification: Likely benign. Review status: no assertion criteria provided. Collection method: clinical testing. Allele origin: germline. Affected: yes. Study: VKGL Data-share Consensus. Not counted in ClinVar's aggregate classification.

Literature cited by the submitters: PubMed 19779133 (cited by Athena Diagnostics).

NM_014363.6(SACS):c.9846A>G (p.Pro3282=)

Gene: SACS (sacsin molecular chaperone; minus strand). Cytogenetic location: 13q12.12.
Variant type: single nucleotide variant.
Coding change: c.9846A>G on transcript NM_014363.6 (MANE Select); coding-DNA position 9846, A replaced by G.
Protein change: p.Pro3282=; no amino-acid change (proline 3282 retained).
Molecular consequence: synonymous variant.
Genome position (GRCh38, 1-based): chr13:23,334,030, T>C on the plus strand (A>G on the coding strand, the complement: SACS is on the minus strand). VCF-style: chr13-23334030-T-C. GRCh37 (hg19) VCF-style: chr13-23908169-T-C.
Other names: p.Pro3282=; c.9405A>G, p.Pro3135= (NM_001278055.2).
Identifiers: ClinVar variation 416834 (VCV000416834.62), dbSNP rs61753111, ClinGen allele CA6910554.